The following is an entry in ClinVar:

ClinVar aggregate classification (germline): Uncertain significance (1 of 4 stars; one submission).

Conditions:
RASopathy. Also called: rasopathies; Noonan spectrum disorder. Identifiers: Orphanet 536391, MedGen C5555857, MONDO:0021060.

Submission:

Labcorp Genetics (formerly Invitae), Labcorp
Classification: Uncertain significance for RASopathy. Last evaluated: 2022-03-26. Review status: criteria provided, single submitter. Criteria: Invitae Variant Classification Sherloc (09022015). Collection method: clinical testing. Allele origin: germline.
Comment: In summary, the available evidence is currently insufficient to determine the role of this variant in disease. Therefore, it has been classified as a Variant of Uncertain Significance. Advanced modeling of protein sequence and biophysical properties (such as structural, functional, and spatial information, amino acid conservation, physicochemical variation, residue mobility, and thermodynamic stability) performed at Invitae indicates that this missense variant is expected to disrupt RAF1 protein function. This variant has not been reported in the literature in individuals affected with RAF1-related conditions. This variant is not present in population databases (gnomAD no frequency). This sequence change replaces glycine, which is neutral and non-polar, with glutamic acid, which is acidic and polar, at codon 455 of the RAF1 protein (p.Gly455Glu).

NM_002880.4(RAF1):c.1364G>A (p.Gly455Glu)

Gene: RAF1 (Raf-1 proto-oncogene, serine/threonine kinase; minus strand). Cytogenetic location: 3p25.2.
Variant type: single nucleotide variant.
Coding change: c.1364G>A on transcript NM_002880.4 (MANE Select); coding-DNA position 1364, G replaced by A.
Protein change: p.Gly455Glu; replaces glycine 455 with glutamic acid.
Molecular consequence: missense variant. On other transcripts: non-coding transcript variant (3).
Genome position (GRCh38, 1-based): chr3:12,590,804, C>T on the plus strand (G>A on the coding strand, the complement: RAF1 is on the minus strand). VCF-style: chr3-12590804-C-T. GRCh37 (hg19) VCF-style: chr3-12632303-C-T.
Other names: c.1424G>A, p.Gly475Glu (NM_001354689.3); c.1364G>A, p.Gly455Glu (NM_001354690.3); c.1121G>A, p.Gly374Glu (NM_001354691.3, NM_001354692.3); c.1265G>A, p.Gly422Glu (NM_001354693.3); c.1181G>A, p.Gly394Glu (NM_001354694.3); c.1022G>A, p.Gly341Glu (NM_001354695.3); short protein forms G394E, G341E, G374E, G455E, G475E, G422E.
Identifiers: ClinVar variation 2117815 (VCV002117815.4), dbSNP rs2470227505, ClinGen allele CA351501648.
Genomic context (GRCh38, chr3:12,590,804, plus strand): 5'-TTAGGGACAAATTTGATGCCTGGGTCCCAGAGAGGCATCAGACCATCTACTCACTCCATT[C>T]CCTGAGCCGTCTGCCGGGCAATGTCAATTAGCTGGAACATCTGAAACTTGGTCTCCTGGA-3'
Protein context (NP_002871.1, residues 445-465): LIDIARQTAQ[Gly455Glu]MDYLHAKNII